The following is an entry in ClinVar:

NM_182493.3(MYLK3):c.1968C>A (p.Asp656Glu)

Gene: MYLK3 (myosin light chain kinase 3; minus strand). Cytogenetic location: 16q11.2.
Variant type: single nucleotide variant.
Coding change: c.1968C>A on transcript NM_182493.3 (MANE Select); coding-DNA position 1968, C replaced by A.
Protein change: p.Asp656Glu; replaces aspartic acid 656 with glutamic acid.
Molecular consequence: missense variant.
Genome position (GRCh38, 1-based): chr16:46,721,140, G>T on the plus strand (C>A on the coding strand, the complement: MYLK3 is on the minus strand). VCF-style: chr16-46721140-G-T. GRCh37 (hg19) VCF-style: chr16-46755052-G-T.
Other names: c.945C>A, p.Asp315Glu (NM_001308301.1); short protein forms D315E, D656E.
Identifiers: ClinVar variation 2108557 (VCV002108557.4), dbSNP rs753666933, ClinGen allele CA8037779.
Genomic context (GRCh38, chr16:46,721,140, plus strand): 5'-TCCCAAGGAATTTTGTTAAGGTATCTAAATAAAACCCCCTTACCTTCTGGCCAGCCCAAA[G>T]TCAATGATCTTAATTTGATGTCCTGTCTGATTGACGCACAATATGTTCTCCGGCTGGGAA-3'
Protein context (NP_872299.2, residues 646-666): NQTGHQIKII[Asp656Glu]FGLARRYKPR

ClinVar aggregate classification (germline): Uncertain significance (1 of 4 stars; one submission).

Allele frequency attached by ClinVar (database versions not stated): ExAC 0.00001.
gnomAD v4.1: 1 of 1,614,182 alleles (0.000062%); highest among the groups gnomAD compares: Non-Finnish European, 0.000085%; no homozygotes.

Submission:

Labcorp Genetics (formerly Invitae), Labcorp
Classification: Uncertain significance. Last evaluated: 2022-05-05. Review status: criteria provided, single submitter. Criteria: Invitae Variant Classification Sherloc (09022015). Collection method: clinical testing. Allele origin: germline.
Comment: In summary, the available evidence is currently insufficient to determine the role of this variant in disease. Therefore, it has been classified as a Variant of Uncertain Significance. Algorithms developed to predict the effect of missense changes on protein structure and function are either unavailable or do not agree on the potential impact of this missense change (SIFT: "Tolerated"; PolyPhen-2: "Probably Damaging"; Align-GVGD: "Class C0"). This variant has not been reported in the literature in individuals affected with MYLK3-related conditions. This variant is present in population databases (rs753666933, gnomAD 0.0009%). This sequence change replaces aspartic acid, which is acidic and polar, with glutamic acid, which is acidic and polar, at codon 656 of the MYLK3 protein (p.Asp656Glu).